The following is an entry in ClinVar:

ClinVar aggregate classification (germline): Uncertain significance (1 of 4 stars; one submission).

gnomAD v4.1: 3 of 1,613,942 alleles (0.00019%); highest among the groups gnomAD compares: Admixed American, 0.0033%; no homozygotes.

Submission:

Women's Health and Genetics/Laboratory Corporation of America, LabCorp
Classification: Uncertain significance. Last evaluated: 2024-09-20. Review status: criteria provided, single submitter. Criteria: LabCorp Variant Classification Summary - May 2015. Collection method: clinical testing. Allele origin: germline.
Comment: Variant summary: ZNF292 c.1142A>G (p.Asp381Gly) results in a non-conservative amino acid change in the encoded protein sequence. Three of five in-silico tools predict a benign effect of the variant on protein function. The variant allele was found at a frequency of 8e-06 in 249052 control chromosomes. The available data on variant occurrences in the general population are insufficient to allow any conclusion about variant significance. To our knowledge, no occurrence of c.1142A>G in individuals affected with Autosomal Dominant Intellectual Developmental Disorder 64 and no experimental evidence demonstrating its impact on protein function have been reported. No submitters have cited clinical-significance assessments for this variant to ClinVar. Based on the evidence outlined above, the variant was classified as uncertain significance.

NM_015021.3(ZNF292):c.1142A>G (p.Asp381Gly)

Gene: ZNF292 (zinc finger protein 292; plus strand). Cytogenetic location: 6q14.3.
Variant type: single nucleotide variant.
Coding change: c.1142A>G on transcript NM_015021.3 (MANE Select); coding-DNA position 1142, A replaced by G.
Protein change: p.Asp381Gly; replaces aspartic acid 381 with glycine.
Molecular consequence: missense variant.
Genome position (GRCh38, 1-based): chr6:87,254,771, A>G. VCF-style: chr6-87254771-A-G. GRCh37 (hg19) VCF-style: chr6-87964489-A-G.
Other names: c.722A>G, p.Asp241Gly (NM_001351444.2); short protein forms D241G, D381G.
Identifiers: ClinVar variation 3375349 (VCV003375349.1).